The following is an entry in ClinVar:

ClinVar aggregate classification (germline): Likely benign (1 of 4 stars; one submission).

Conditions:
SEMA3G-related disorder. Also called: SEMA3G-related condition.

gnomAD v4.1: 1 of 1,613,886 alleles (0.000062%); highest among the groups gnomAD compares: Non-Finnish European, 0.000085%; no homozygotes.

Submission:

PreventionGenetics, part of Exact Sciences
Classification: Likely benign for SEMA3G-related condition. Last evaluated: 2025-10-30. Review status: criteria provided, single submitter. Criteria: ACMG Guidelines, 2015. Collection method: clinical testing. Allele origin: germline.
Comment: This variant is classified as likely benign based on ACMG/AMP sequence variant interpretation guidelines (Richards et al. 2015 PMID: 25741868, with internal and published modifications).

NM_020163.3(SEMA3G):c.2019G>T (p.Val673=)

Gene: SEMA3G (semaphorin 3G; minus strand). Cytogenetic location: 3p21.1.
Variant type: single nucleotide variant.
Coding change: c.2019G>T on transcript NM_020163.3 (MANE Select); coding-DNA position 2019, G replaced by T.
Protein change: p.Val673=; no amino-acid change (valine 673 retained).
Molecular consequence: synonymous variant.
Genome position (GRCh38, 1-based): chr3:52,435,933, C>A on the plus strand (G>T on the coding strand, the complement: SEMA3G is on the minus strand). VCF-style: chr3-52435933-C-A. GRCh37 (hg19) VCF-style: chr3-52469949-C-A.
Identifiers: ClinVar variation 4989879 (VCV004989879.1).